The following is an entry in ClinVar:

ClinVar aggregate classification (germline): Uncertain significance (1 of 4 stars; one submission).

Submission:

Ambry Genetics
Classification: Uncertain significance. Last evaluated: 2025-10-14. Review status: criteria provided, single submitter. Criteria: Ambry Variant Classification Scheme 2023. Collection method: clinical testing. Allele origin: germline.
Comment: The p.K259T variant (also known as c.776A>C), located in coding exon 3 of the GFI1 gene, results from an A to C substitution at nucleotide position 776. The lysine at codon 259 is replaced by threonine, an amino acid with similar properties. This amino acid position is conserved. In addition, this alteration is predicted to be tolerated by in silico analysis. Based on the available evidence, the clinical significance of this variant remains unclear.

NM_005263.5(GFI1):c.776A>C (p.Lys259Thr)

Gene: GFI1 (growth factor independent 1 transcriptional repressor; minus strand). Cytogenetic location: 1p22.1.
Variant type: single nucleotide variant.
Coding change: c.776A>C on transcript NM_005263.5 (MANE Select); coding-DNA position 776, A replaced by C.
Protein change: p.Lys259Thr; replaces lysine 259 with threonine.
Molecular consequence: missense variant.
Genome position (GRCh38, 1-based): chr1:92,480,611, T>G on the plus strand (A>C on the coding strand, the complement: GFI1 is on the minus strand). VCF-style: chr1-92480611-T-G. GRCh37 (hg19) VCF-style: chr1-92946168-T-G.
Other names: c.776A>C, p.Lys259Thr (NM_001127215.3, NM_001127216.3); short protein forms K259T.
Identifiers: ClinVar variation 4671575 (VCV004671575.1).